The following is an entry in ClinVar:

ClinVar aggregate classification (germline): Conflicting classifications of pathogenicity. Review status: criteria provided, conflicting classifications (1 of 4 stars). 4 submissions from 4 submitters: Uncertain significance (1); Likely benign (3). Last evaluated 2024-09-05.

Conditions:
Familial thoracic aortic aneurysm and aortic dissection (TAAD). Also called: Thoracic aortic aneurysms and dissections. Identifiers: Orphanet 91387, MedGen C4707243, MONDO:0019625.
Aortic aneurysm, familial thoracic 4 (AAT4). Also called: AORTIC ANEURYSM/AORTIC DISSECTION AND PATENT DUCTUS ARTERIOSUS. Identifiers: MedGen C1851504, MONDO:0007568, OMIM 132900.

Allele frequency attached by ClinVar (database versions not stated): gnomAD exomes 0.00004 and 0.00010; ExAC 0.00008; gnomAD 0.00009 and 0.00011; 1000 Genomes Project 30x 0.00031; 1000 Genomes Project 0.00040.
gnomAD v4.1: 77 of 1,614,208 alleles (0.0048%); highest among the groups gnomAD compares: East Asian, 0.029%; no homozygotes.

Submissions (4):

Blueprint Genetics
Classification: Likely benign. Last evaluated: 2024-09-05. Review status: criteria provided, single submitter. Criteria: ACMG Guidelines, 2015. Collection method: clinical testing. Allele origin: germline.

Labcorp Genetics (formerly Invitae), Labcorp
Classification: Likely benign for Aortic aneurysm, familial thoracic 4. Last evaluated: 2023-01-26. Review status: criteria provided, single submitter. Criteria: Invitae Variant Classification Sherloc (09022015). Collection method: clinical testing. Allele origin: germline.

GeneDx
Classification: Uncertain significance. Last evaluated: 2022-08-24. Review status: criteria provided, single submitter. Criteria: GeneDx Variant Classification Process June 2021. Collection method: clinical testing. Allele origin: germline. Affected: yes.
Comment: In silico analysis supports that this missense variant does not alter protein structure/function; Has not been previously published as pathogenic or benign to our knowledge

Color Diagnostics, LLC DBA Color Health
Classification: Likely benign for Familial thoracic aortic aneurysm and aortic dissection. Last evaluated: 2020-01-15. Review status: criteria provided, single submitter. Criteria: ACMG Guidelines, 2015. Collection method: clinical testing. Allele origin: germline.
Comment: This missense variant replaces lysine with arginine at codon 1517 of the MYH11 protein. Computational prediction suggests that this variant may not impact protein structure and function (internally defined REVEL score threshold <= 0.5, PMID: 27666373). Splice site prediction tools suggest that this variant may not impact RNA splicing. To our knowledge, functional studies have not been performed for this variant. This variant has not been reported in individuals affected with cardiovascular disorders in the literature. This variant has been identified in 30/282888 chromosomes in the general population by the Genome Aggregation Database (gnomAD). The available evidence is insufficient to determine the role of this variant in disease conclusively. Therefore, this variant is classified as a Variant of Uncertain Significance.

NM_002474.3(MYH11):c.4529A>G (p.Lys1510Arg)

Genes: MYH11 (myosin heavy chain 11; minus strand), NDE1 (nudE neurodevelopment protein 1; plus strand). Cytogenetic location: 16p13.11.
Variant type: single nucleotide variant.
Coding change: c.4529A>G on transcript NM_002474.3 (MANE Select); coding-DNA position 4529, A replaced by G.
Protein change: p.Lys1510Arg; replaces lysine 1510 with arginine.
Molecular consequence: missense variant. On other transcripts: intron variant (2).
Genome position (GRCh38, 1-based): chr16:15,721,471, T>C on the plus strand (A>G on the coding strand, the complement: MYH11 is on the minus strand). VCF-style: chr16-15721471-T-C. GRCh37 (hg19) VCF-style: chr16-15815328-T-C.
Other names: c.4550A>G, p.Lys1517Arg (NM_001040113.2, NM_001040114.2); c.4529A>G, p.Lys1510Arg (NM_022844.3); c.948-2720T>C (NM_001143979.2, NM_017668.3); short protein forms K1510R, K1517R.
Identifiers: ClinVar variation 749668 (VCV000749668.13), dbSNP rs199713089, ClinGen allele CA7921650.